The following is an entry in ClinVar:

NM_001458.5(FLNC):c.5710A>G (p.Ile1904Val)

Genes: FLNC (filamin C; plus strand), FLNC-AS1 (FLNC antisense RNA 1; minus strand). Cytogenetic location: 7q32.1.
Variant type: single nucleotide variant.
Coding change: c.5710A>G on transcript NM_001458.5 (MANE Select); coding-DNA position 5710, A replaced by G.
Protein change: p.Ile1904Val; replaces isoleucine 1904 with valine.
Molecular consequence: missense variant. On other transcripts: non-coding transcript variant (1).
Genome position (GRCh38, 1-based): chr7:128,851,496, A>G. VCF-style: chr7-128851496-A-G. GRCh37 (hg19) VCF-style: chr7-128491550-A-G.
Other names: c.5611A>G, p.Ile1871Val (NM_001127487.2); short protein forms I1871V, I1904V.
Identifiers: ClinVar variation 5017746 (VCV005017746.1).

ClinVar aggregate classification (germline): Uncertain significance (1 of 4 stars; one submission).

Submission:

GeneDx
Classification: Uncertain significance. Last evaluated: 2026-03-29. Review status: criteria provided, single submitter. Criteria: GeneDx Variant Classification Process June 2021. Collection method: clinical testing. Allele origin: germline.
Comment: Not observed at significant frequency in large population cohorts (gnomAD); In silico analysis suggests that this missense variant does not alter protein structure/function; Has not been previously published as pathogenic or benign to our knowledge